The following is an entry in ClinVar:

NM_005996.4(TBX3):c.140C>T (p.Pro47Leu)

Genes: TBX3-AS1 (TBX3 antisense RNA 1; plus strand), TBX3 (T-box transcription factor 3; minus strand). Cytogenetic location: 12q24.21.
Variant type: single nucleotide variant.
Coding change: c.140C>T on transcript NM_005996.4 (MANE Select); coding-DNA position 140, C replaced by T.
Protein change: p.Pro47Leu; replaces proline 47 with leucine.
Molecular consequence: missense variant.
Genome position (GRCh38, 1-based): chr12:114,683,061, G>A on the plus strand (C>T on the coding strand, the complement: TBX3 is on the minus strand). VCF-style: chr12-114683061-G-A. GRCh37 (hg19) VCF-style: chr12-115120866-G-A.
Other names: c.140C>T, p.Pro47Leu (NM_016569.4); short protein forms P47L.
Identifiers: ClinVar variation 2799999 (VCV002799999.3), dbSNP rs769065791, ClinGen allele CA386873302.

ClinVar aggregate classification (germline): Uncertain significance (1 of 4 stars; one submission).

Conditions:
Ulnar-mammary syndrome (UMS). Also called: Ulnar-mammary syndrome of Pallister; SCHINZEL SYNDROME; PALLISTER ULNAR-MAMMARY SYNDROME. Identifiers: Orphanet 3138, MedGen C1866994, MONDO:0008411, OMIM 181450.

Submission:

Labcorp Genetics (formerly Invitae), Labcorp
Classification: Uncertain significance for Ulnar-mammary syndrome. Last evaluated: 2023-06-29. Review status: criteria provided, single submitter. Criteria: Invitae Variant Classification Sherloc (09022015). Collection method: clinical testing. Allele origin: germline.
Comment: This sequence change replaces proline, which is neutral and non-polar, with leucine, which is neutral and non-polar, at codon 47 of the TBX3 protein (p.Pro47Leu). This variant is not present in population databases (gnomAD no frequency). In summary, the available evidence is currently insufficient to determine the role of this variant in disease. Therefore, it has been classified as a Variant of Uncertain Significance. An algorithm developed to predict the effect of missense changes on protein structure and function (PolyPhen-2) suggests that this variant is likely to be disruptive. This variant has not been reported in the literature in individuals affected with TBX3-related conditions.